The following is an entry in ClinVar:

NM_006231.4(POLE):c.3612dup (p.Pro1205fs)

Gene: POLE (DNA polymerase epsilon, catalytic subunit; minus strand). Cytogenetic location: 12q24.33.
Variant type: Duplication.
Coding change: c.3612dup on transcript NM_006231.4 (MANE Select); coding-DNA position 3612, one base duplicated (T; older notation c.3612dupT).
Protein change: p.Pro1205fs; shifts the reading frame from proline 1205.
Molecular consequence: frameshift variant.
Genome position (GRCh38, 1-based): chr12:132,649,860, A duplicated on the plus strand (T on the coding strand, the reverse complement: POLE is on the minus strand). VCF-style (leftmost placement, unchanged base first): chr12-132649859-G-GA. GRCh37 (hg19) VCF-style: chr12-133226445-G-GA.
Other names: short protein forms P1205fs.
Identifiers: ClinVar variation 486970 (VCV000486970.6), dbSNP rs1555224123, ClinGen allele CA658658185.

ClinVar aggregate classification (germline): Uncertain significance (1 of 4 stars; one submission).

Conditions:
Hereditary cancer-predisposing syndrome. Also called: Tumor predisposition; Hereditary Cancer Syndrome; Neoplastic Syndromes, Hereditary; Hereditary neoplastic syndrome. Identifiers: Orphanet 140162, MedGen C0027672, MeSH D009386, MONDO:0015356.

Submission:

Ambry Genetics
Classification: Uncertain significance for Hereditary cancer-predisposing syndrome. Last evaluated: 2026-02-05. Review status: criteria provided, single submitter. Criteria: Ambry Variant Classification Scheme 2023. Collection method: clinical testing. Allele origin: germline.
Comment: The c.3612dupT variant, located in coding exon 30 of the POLE gene, results from a duplication of T at nucleotide position 3612, causing a translational frameshift with a predicted alternate stop codon (p.P1205Sfs*7). This alteration is expected to result in loss of function by premature protein truncation or nonsense-mediated mRNA decay. Although biallelic loss of function of POLE has been associated with autosomal recessive POLE deficiency, haploinsufficiency of POLE has not been established as a mechanism of disease for POLE-related polymerase proofreading-associated polyposis (PPAP) and POLE-related CMMRD-like syndrome. Based on the supporting evidence, this variant is expected to be causative of POLE deficiency when present along with a second pathogenic variant on the other allele; however, its clinical significance for PPAP and POLE-related CMMRD-like syndrome is unclear.